The following is an entry in ClinVar:

NM_020964.3(EPG5):c.5653T>C (p.Leu1885=)

Gene: EPG5 (ectopic P-granules 5 autophagy tethering factor; minus strand). Cytogenetic location: 18q12.3.
Variant type: single nucleotide variant.
Coding change: c.5653T>C on transcript NM_020964.3 (MANE Select); coding-DNA position 5653, T replaced by C.
Protein change: p.Leu1885=; no amino-acid change (leucine 1885 retained).
Molecular consequence: synonymous variant.
Genome position (GRCh38, 1-based): chr18:45,880,089, A>G on the plus strand (T>C on the coding strand, the complement: EPG5 is on the minus strand). VCF-style: chr18-45880089-A-G. GRCh37 (hg19) VCF-style: chr18-43460054-A-G.
Other names: c.5653T>C, p.Leu1885= (LRG_1234t1).
Identifiers: ClinVar variation 466258 (VCV000466258.19), dbSNP rs114131140, ClinGen allele CA8948532.

ClinVar aggregate classification (germline): Benign/Likely benign. Review status: criteria provided, multiple submitters, no conflicts (2 of 4 stars). 4 submissions from 4 submitters: Benign (2); Likely benign (1). 1 of the submissions does not count toward it. Last evaluated 2026-02-01.

Conditions:
EPG5-related disorder. Also called: EPG5-related condition. Identifiers: MedGen CN381528.
Vici syndrome (VICIS). Identifiers: Orphanet 1493, MedGen C1855772, MONDO:0009452, OMIM 242840.

Allele frequency attached by ClinVar (database versions not stated): gnomAD exomes 0.00029 and 0.00086; ExAC 0.00111; gnomAD 0.00296 and 0.00323; 1000 Genomes Project 0.00319; ESP Exome Variant Server 0.00327; TOPMed 0.00362; 1000 Genomes Project 30x 0.00375.
gnomAD v4.1: 877 of 1,597,084 alleles (0.055%); highest among the groups gnomAD compares: African/African-American, 1.1%; 6 homozygotes.

Submissions (4):

CeGaT Center for Human Genetics Tuebingen
Classification: Likely benign. Last evaluated: 2026-02-01. Review status: criteria provided, single submitter. Criteria: CeGaT Center For Human Genetics Tuebingen Variant Classification Criteria Version 2. Collection method: clinical testing. Allele origin: germline. Affected: yes. Observed: 1 variant allele.
Comment: EPG5: BP4, BP7, BS1

Labcorp Genetics (formerly Invitae), Labcorp
Classification: Benign for Vici syndrome. Last evaluated: 2026-02-01. Review status: criteria provided, single submitter. Criteria: Invitae Variant Classification Sherloc (09022015). Collection method: clinical testing. Allele origin: germline.

Breakthrough Genomics
Classification: Benign. Review status: criteria provided, single submitter. Criteria: ACMG Guidelines, 2015. Collection method: not provided. Allele origin: germline. Inheritance: Autosomal recessive inheritance. Affected: yes.

PreventionGenetics, part of Exact Sciences
Classification: Benign for EPG5-related condition. Last evaluated: 2024-03-21. Review status: no assertion criteria provided. Collection method: clinical testing. Allele origin: germline. Not counted in ClinVar's aggregate classification.
Comment: This variant is classified as benign based on ACMG/AMP sequence variant interpretation guidelines (Richards et al. 2015 PMID: 25741868, with internal and published modifications).